The following is an entry in ClinVar:

ClinVar aggregate classification (germline): Pathogenic (1 of 4 stars; one submission).

Conditions:
Spastic paraplegia. Identifiers: MedGen C0037772, HP:0001258.

Submission:

Labcorp Genetics (formerly Invitae), Labcorp
Classification: Pathogenic for Spastic paraplegia. Last evaluated: 2022-11-26. Review status: criteria provided, single submitter. Criteria: Invitae Variant Classification Sherloc (09022015). Collection method: clinical testing. Allele origin: germline.
Comment: This sequence change creates a premature translational stop signal (p.Glu243Lysfs*3) in the CYP7B1 gene. It is expected to result in an absent or disrupted protein product. Loss-of-function variants in CYP7B1 are known to be pathogenic (PMID: 9802883, 19363635, 19439420, 21541746, 21567895, 28039895). This variant is not present in population databases (gnomAD no frequency). This variant has not been reported in the literature in individuals affected with CYP7B1-related conditions. For these reasons, this variant has been classified as Pathogenic.

Literature cited by the submitters: PubMed 9802883; PubMed 19363635; PubMed 19439420; PubMed 21541746; PubMed 21567895; PubMed 28039895.

NM_004820.5(CYP7B1):c.727_730del (p.Glu243fs)

Gene: CYP7B1 (cytochrome P450 family 7 subfamily B member 1; minus strand). Cytogenetic location: 8q12.3.
Variant type: Microsatellite.
Coding change: c.727_730del on transcript NM_004820.5 (MANE Select); coding-DNA positions 727 to 730, 4 bases deleted (GAGA; older notation c.727_730delGAGA).
Protein change: p.Glu243fs; shifts the reading frame from glutamic acid 243.
Molecular consequence: frameshift variant.
Genome position (GRCh38, 1-based): chr8:64,615,811-64,615,814, TCTC deleted on the plus strand (GAGA on the coding strand, the reverse complement: CYP7B1 is on the minus strand); deleting any 4 consecutive bases within chr8:64,615,811-64,615,817 gives the same sequence; the c. name uses the placement nearest the transcript's 3' end. VCF-style (leftmost placement, unchanged base first): chr8-64615810-TTCTC-T. GRCh37 (hg19) VCF-style: chr8-65528367-TTCTC-T.
Other names: c.727_730del, p.Glu243fs (NM_001324112.2); short protein forms E243fs.
Identifiers: ClinVar variation 2816771 (VCV002816771.3), dbSNP rs2487190488, ClinGen allele CA2573331940.